The following is an entry in ClinVar:

ClinVar aggregate classification (germline): Uncertain significance (1 of 4 stars; one submission).

Conditions:
Malignant hyperthermia, susceptibility to, 1 (MHS1). Also called: RYR1-Related Malignant Hyperthermia Susceptibility; Malignant hyperthermia suceptibility 1; Anesthesia related hyperthermia; Malignant hyperpyrexia; Fulminating hyperpyrexia; Pharmacogenic myopathy. Identifiers: Orphanet 423, MedGen C2930980, MONDO:0007783, OMIM 145600.

gnomAD v4.1: 1 of 1,596,314 alleles (0.000063%); highest among the groups gnomAD compares: Non-Finnish European, 0.000085%; no homozygotes.

Submission:

Color Diagnostics, LLC DBA Color Health
Classification: Uncertain significance for Malignant hyperthermia, susceptibility to, 1. Last evaluated: 2025-07-07. Review status: criteria provided, single submitter. Criteria: ACMG Guidelines, 2015. Collection method: clinical testing. Allele origin: germline.
Comment: This missense variant replaces alanine with threonine at codon 2539 of the RYR1 protein. Computational prediction suggests that this variant may not impact protein structure and function. To our knowledge, functional studies have not been reported for this variant. This variant has not been reported in individuals affected with RYR1-related disorders in the literature. This variant has not been identified in the general population by the Genome Aggregation Database (gnomAD). The available evidence is insufficient to determine the role of this variant in disease conclusively. Therefore, this variant is classified as a Variant of Uncertain Significance.

NM_000540.3(RYR1):c.7615G>A (p.Ala2539Thr)

Gene: RYR1 (ryanodine receptor 1; plus strand). Cytogenetic location: 19q13.2.
Variant type: single nucleotide variant.
Coding change: c.7615G>A on transcript NM_000540.3 (MANE Select); coding-DNA position 7615, G replaced by A.
Protein change: p.Ala2539Thr; replaces alanine 2539 with threonine.
Molecular consequence: missense variant.
Genome position (GRCh38, 1-based): chr19:38,502,507, G>A. VCF-style: chr19-38502507-G-A. GRCh37 (hg19) VCF-style: chr19-38993147-G-A.
Other names: c.7615G>A, p.Ala2539Thr (NM_001042723.2); short protein forms A2539T.
Identifiers: ClinVar variation 4758479 (VCV004758479.1).